The following is an entry in ClinVar:

NM_001130438.3(SPTAN1):c.6418G>A (p.Ala2140Thr)

Gene: SPTAN1 (spectrin alpha, non-erythrocytic 1; plus strand). Cytogenetic location: 9q34.11.
Variant type: single nucleotide variant.
Coding change: c.6418G>A on transcript NM_001130438.3 (MANE Select); coding-DNA position 6418, G replaced by A.
Protein change: p.Ala2140Thr; replaces alanine 2140 with threonine.
Molecular consequence: missense variant.
Genome position (GRCh38, 1-based): chr9:128,626,529, G>A. VCF-style: chr9-128626529-G-A. GRCh37 (hg19) VCF-style: chr9-131388808-G-A.
Other names: c.6343G>A, p.Ala2115Thr (NM_001195532.2); c.6418G>A, p.Ala2140Thr (NM_001363759.2, NM_001375310.1, NM_001375311.2 and 1 more transcripts); c.6358G>A, p.Ala2120Thr (NM_001363765.2, NM_001375314.2); c.6454G>A, p.Ala2152Thr (NM_001375312.2, NM_001375318.1); c.6403G>A, p.Ala2135Thr (NM_003127.4); short protein forms A2115T, A2120T, A2135T, A2140T, A2152T.
Identifiers: ClinVar variation 2436389 (VCV002436389.6), dbSNP rs1027721632, ClinGen allele CA200407651.

ClinVar aggregate classification (germline): Uncertain significance. Review status: criteria provided, multiple submitters, no conflicts (2 of 4 stars). 2 submissions from 2 submitters: Uncertain significance (2). Last evaluated 2024-06-11.

Conditions:
Early-infantile DEE. Also called: Early infantile epileptic encephalopathy with suppression bursts; Early infantile epileptic encephalopathy; Ohtahara syndrome. Identifiers: Orphanet 1934, MedGen C0393706, MONDO:0800491.

Allele frequency attached by ClinVar (database versions not stated): gnomAD exomes below 0.00001; TOPMed 0.00002.
gnomAD v4.1: 7 of 1,614,134 alleles (0.00043%); highest among the groups gnomAD compares: South Asian, 0.0011%; no homozygotes.

Submissions (2):

Labcorp Genetics (formerly Invitae), Labcorp
Classification: Uncertain significance for Early-infantile DEE. Last evaluated: 2024-06-11. Review status: criteria provided, single submitter. Criteria: Invitae Variant Classification Sherloc (09022015). Collection method: clinical testing. Allele origin: germline.
Comment: This sequence change replaces alanine, which is neutral and non-polar, with threonine, which is neutral and polar, at codon 2140 of the SPTAN1 protein (p.Ala2140Thr). This variant is not present in population databases (gnomAD no frequency). This variant has not been reported in the literature in individuals affected with SPTAN1-related conditions. ClinVar contains an entry for this variant (Variation ID: 2436389). Advanced modeling of protein sequence and biophysical properties (such as structural, functional, and spatial information, amino acid conservation, physicochemical variation, residue mobility, and thermodynamic stability) has been performed at Invitae for this missense variant, however the output from this modeling did not meet the statistical confidence thresholds required to predict the impact of this variant on SPTAN1 protein function. In summary, the available evidence is currently insufficient to determine the role of this variant in disease. Therefore, it has been classified as a Variant of Uncertain Significance.

Revvity Omics, Revvity
Classification: Uncertain significance. Last evaluated: 2021-01-22. Review status: criteria provided, single submitter. Criteria: ACMG Guidelines, 2015. Collection method: clinical testing. Allele origin: germline.